The following is an entry in ClinVar:

ClinVar aggregate classification (germline): Likely pathogenic (0 of 4 stars; one submission).

Conditions:
TMEM151A-related disorder. Also called: TMEM151A-related condition.

Submission:

PreventionGenetics, part of Exact Sciences
Classification: Likely pathogenic for TMEM151A-related condition. Last evaluated: 2024-04-07. Review status: no assertion criteria provided. Collection method: clinical testing. Allele origin: germline.
Comment: The TMEM151A c.305delC variant is predicted to result in a frameshift and premature protein termination (p.Pro102Argfs*37). To our knowledge, this variant has not been reported in the literature or in a large population database, indicating this variant is rare. Frameshift variants in TMEM151A are expected to be pathogenic. This variant is interpreted as likely pathogenic.

NM_153266.4(TMEM151A):c.305del (p.Pro102fs)

Gene: TMEM151A (transmembrane protein 151A; plus strand). Cytogenetic location: 11q13.2.
Variant type: Deletion.
Coding change: c.305del on transcript NM_153266.4 (MANE Select); coding-DNA position 305, one base deleted (C; older notation c.305delC).
Protein change: p.Pro102fs; shifts the reading frame from proline 102.
Molecular consequence: frameshift variant.
Genome position (GRCh38, 1-based): chr11:66,294,551, C deleted; the last of 3 consecutive C bases (chr11:66,294,549-66,294,551); deleting any one gives the same sequence. VCF-style (leftmost placement, unchanged base first): chr11-66294548-TC-T. GRCh37 (hg19) VCF-style: chr11-66062019-TC-T.
Other names: short protein forms P102fs.
Identifiers: ClinVar variation 3348615 (VCV003348615.1).